The following is an entry in ClinVar:

NM_002661.5(PLCG2):c.2581+1G>T

Gene: PLCG2 (phospholipase C gamma 2; plus strand). Cytogenetic location: 16q23.3.
Variant type: single nucleotide variant.
Coding change: c.2581+1G>T on transcript NM_002661.5 (MANE Select); the canonical splice donor site of the intron after coding-DNA position 2581, G replaced by T.
Molecular consequence: splice donor variant.
Genome position (GRCh38, 1-based): chr16:81,928,625, G>T. VCF-style: chr16-81928625-G-T. GRCh37 (hg19) VCF-style: chr16-81962230-G-T.
Other names: NC_000016.9:g.81962230G>T; c.2581+1G>T (NM_001425751.1, NM_001425749.1, NM_001425750.1).
Identifiers: ClinVar variation 4416055 (VCV004416055.3).

ClinVar aggregate classification (germline): Uncertain significance (1 of 4 stars; one submission).

Conditions:
Familial cold autoinflammatory syndrome 3 (FCAS3). Also called: FAMILIAL ATYPICAL COLD URTICARIA; ANTIBODY DEFICIENCY AND IMMUNE DYSREGULATION, PLCG2-ASSOCIATED. Identifiers: Orphanet 300359, MedGen C3280914, MONDO:0013766, OMIM 614468.
Autoinflammation-PLCG2-associated antibody deficiency-immune dysregulation. Also called: Autoinflammation, antibody deficiency, and immune dysregulation syndrome; Autoinflammation, antibody deficiency, and immune dysregulation, plcg2-associated; AUTOINFLAMMATION, ANTIBODY DEFICIENCY, AND IMMUNE DYSREGULATION. Identifiers: Orphanet 324530, MedGen C3553961, MONDO:0013944, OMIM 614878.

Submissions (2):

Juno Genomics, Hangzhou Juno Genomics, Inc
Classification: Uncertain significance for Autoinflammation-PLCG2-associated antibody deficiency-immune dysregulation; Familial cold autoinflammatory syndrome 3. Review status: criteria provided, single submitter. Criteria: ACMG Guidelines, 2015. Collection method: clinical testing. Allele origin: germline.
Comment: Absent from controls (or at extremely low frequency if recessive) in Genome Aggregation Database.

Dr. Peter K. Rogan Lab, Western University
No classification provided (evidence only). Condition: Ovarian serous cystadenocarcinoma. Review status: no classification provided. Collection method: in vitro. Allele origin: not applicable. Functional consequence: retained intron. Not counted in ClinVar's aggregate classification.